The following is an entry in ClinVar:

NM_007373.4(SHOC2):c.841+9G>A

Gene: SHOC2 (SHOC2 leucine rich repeat scaffold protein; plus strand). Cytogenetic location: 10q25.2.
Variant type: single nucleotide variant.
Coding change: c.841+9G>A on transcript NM_007373.4 (MANE Select); 9 bases into the intron after coding-DNA position 841, G replaced by A.
Molecular consequence: intron variant.
Genome position (GRCh38, 1-based): chr10:110,985,774, G>A. VCF-style: chr10-110985774-G-A. GRCh37 (hg19) VCF-style: chr10-112745532-G-A.
Other names: c.841+9G>A (NM_001324336.2, NM_001441185.1, NM_001441184.1 and 2 more transcripts); c.704-14641G>A (NM_001441186.1, NM_001269039.3); c.172+9G>A (NM_001441188.1); c.-243+9G>A (NM_001441190.1); c.-112+9G>A (NM_001441191.1); c.-242-14641G>A (NM_001441189.1).
Identifiers: ClinVar variation 4982498 (VCV004982498.1).

ClinVar aggregate classification (germline): Likely benign (1 of 4 stars; one submission).

Conditions:
SHOC2-related disorder. Also called: SHOC2-related condition.

gnomAD v4.1: 9 of 1,610,732 alleles (0.00056%); highest among the groups gnomAD compares: Non-Finnish European, 0.00076%; no homozygotes.

Submission:

PreventionGenetics, part of Exact Sciences
Classification: Likely benign for SHOC2-related condition. Last evaluated: 2026-04-14. Review status: criteria provided, single submitter. Criteria: ACMG Guidelines, 2015. Collection method: clinical testing. Allele origin: germline.
Comment: This variant is classified as likely benign based on ACMG/AMP sequence variant interpretation guidelines (Richards et al. 2015 PMID: 25741868, with internal and published modifications).